The following is an entry in ClinVar:

NM_054012.4(ASS1):c.245T>C (p.Leu82Pro)

Gene: ASS1 (argininosuccinate synthase 1; plus strand). Cytogenetic location: 9q34.11.
Variant type: single nucleotide variant.
Coding change: c.245T>C on transcript NM_054012.4 (MANE Select); coding-DNA position 245, T replaced by C.
Protein change: p.Leu82Pro; replaces leucine 82 with proline.
Molecular consequence: missense variant.
Genome position (GRCh38, 1-based): chr9:130,458,471, T>C. VCF-style: chr9-130458471-T-C. GRCh37 (hg19) VCF-style: chr9-133333858-T-C.
Other names: c.245T>C, p.Leu82Pro (NM_000050.4); short protein forms L82P.
Identifiers: ClinVar variation 656313 (VCV000656313.13), dbSNP rs559043503, ClinGen allele CA5283207.
Genomic context (GRCh38, chr9:130,458,471, plus strand): 5'-AGGATGTCAGCAGGGAGTTTGTGGAGGAGTTCATCTGGCCGGCCATCCAGTCCAGCGCAC[T>C]GTATGAGGACCGCTACCTCCTGGGCACCTCTCTTGCCAGGCCCTGCATCGCCCGCAAACA-3'
Protein context (NP_446464.1, residues 72-92): FIWPAIQSSA[Leu82Pro]YEDRYLLGTS

ClinVar aggregate classification (germline): Pathogenic/Likely pathogenic. Review status: criteria provided, multiple submitters, no conflicts (2 of 4 stars). 3 submissions from 3 submitters: Pathogenic (1); Likely pathogenic (2). Last evaluated 2025-05-30.

Conditions:
Citrullinemia. Identifiers: Orphanet 187, MedGen C0175683, MONDO:0015991.
Citrullinemia type I (CTNL1). Also called: ASS DEFICIENCY; argininosuccinate synthetase deficiency. Identifiers: Orphanet 247525, MedGen C4721769, MONDO:0008988, OMIM 215700.

Allele frequency attached by ClinVar (database versions not stated): gnomAD exomes 0.00001 and 0.00004; ExAC 0.00003; TOPMed 0.00004; gnomAD 0.00008 and 0.00009; 1000 Genomes Project 0.00040; 1000 Genomes Project 30x 0.00062.

Submissions (3):

Women's Health and Genetics/Laboratory Corporation of America, LabCorp
Classification: Likely pathogenic for Citrullinemia. Last evaluated: 2025-05-30. Review status: criteria provided, single submitter. Criteria: LabCorp Variant Classification Summary - May 2015. Collection method: clinical testing. Allele origin: germline.
Comment: Variant summary: ASS1 c.245T>C (p.Leu82Pro) results in a non-conservative amino acid change in the encoded protein sequence. Algorithms developed to predict the effect of missense changes on protein structure and function all suggest that this variant is likely to be disruptive. The variant allele was found at a frequency of 3.6e-05 in 250994 control chromosomes. c.245T>C has been observed in individual(s) affected with Citrullinemia Type I (Internal data). These data indicate that the variant is likely to be associated with disease. To our knowledge, no experimental evidence demonstrating an impact on protein function has been reported. ClinVar contains an entry for this variant (Variation ID: 656313). Based on the evidence outlined above, the variant was classified as likely pathogenic.

Labcorp Genetics (formerly Invitae), Labcorp
Classification: Pathogenic for Citrullinemia. Last evaluated: 2024-10-07. Review status: criteria provided, single submitter. Criteria: Invitae Variant Classification Sherloc (09022015). Collection method: clinical testing. Allele origin: germline.
Comment: This sequence change replaces leucine, which is neutral and non-polar, with proline, which is neutral and non-polar, at codon 82 of the ASS1 protein (p.Leu82Pro). This variant is present in population databases (rs559043503, gnomAD 0.03%). This missense change has been observed in individual(s) with citrullinemia (internal data). In at least one individual the data is consistent with being in trans (on the opposite chromosome) from a pathogenic variant. ClinVar contains an entry for this variant (Variation ID: 656313). Invitae Evidence Modeling of protein sequence and biophysical properties (such as structural, functional, and spatial information, amino acid conservation, physicochemical variation, residue mobility, and thermodynamic stability) indicates that this missense variant is not expected to disrupt ASS1 protein function with a negative predictive value of 80%. For these reasons, this variant has been classified as Pathogenic.

Fulgent Genetics
Classification: Likely pathogenic for Citrullinemia type I. Last evaluated: 2024-04-26. Review status: criteria provided, single submitter. Criteria: ACMG Guidelines, 2015. Collection method: clinical testing. Allele origin: germline.